The following is an entry in ClinVar:

ClinVar aggregate classification (germline): Uncertain significance (1 of 4 stars; one submission).

gnomAD v4.1: 13 of 1,550,936 alleles (0.00084%); highest among the groups gnomAD compares: African/African-American, 0.0069%; no homozygotes.

Submission:

Labcorp Genetics (formerly Invitae), Labcorp
Classification: Uncertain significance. Last evaluated: 2025-06-12. Review status: criteria provided, single submitter. Criteria: Invitae Variant Classification Sherloc (09022015). Collection method: clinical testing. Allele origin: germline.
Comment: This sequence change falls in intron 59 of the TRRAP gene. It does not directly change the encoded amino acid sequence of the TRRAP protein. It affects a nucleotide within the consensus splice site. The frequency data for this variant in the population databases is considered unreliable, as metrics indicate poor data quality at this position in the gnomAD database. This variant has not been reported in the literature in individuals affected with TRRAP-related conditions. This variant has been observed in at least one individual who was not affected with TRRAP-related conditions (Internal data). ClinVar contains an entry for this variant (Variation ID: 3707445). Variants that disrupt the consensus splice site are a relatively common cause of aberrant splicing (PMID: 17576681, 9536098). Algorithms developed to predict the effect of sequence changes on RNA splicing suggest that this variant may disrupt the consensus splice site. In summary, the available evidence is currently insufficient to determine the role of this variant in disease. Therefore, it has been classified as a Variant of Uncertain Significance.

Literature cited by the submitters: PubMed 17576681; PubMed 9536098.

NM_001375524.1(TRRAP):c.9288+5G>A

Gene: TRRAP (transformation/transcription domain associated protein; plus strand). Cytogenetic location: 7q22.1.
Variant type: single nucleotide variant.
Coding change: c.9288+5G>A on transcript NM_001375524.1 (MANE Select); 5 bases into the intron after coding-DNA position 9288, G replaced by A.
Molecular consequence: intron variant.
Genome position (GRCh38, 1-based): chr7:98,984,363, G>A. VCF-style: chr7-98984363-G-A. GRCh37 (hg19) VCF-style: chr7-98581986-G-A.
Other names: c.9300+5G>A (NM_001244580.2); c.9213+5G>A (NM_003496.4).
Identifiers: ClinVar variation 3707445 (VCV003707445.2).
Genomic context (GRCh38, chr7:98,984,363, plus strand): 5'-AAGTTAAATGCTACCTCCAGCTGGCAGGCGTCATGGGCAAAAACGAGTGCATGCAGGTGC[G>A]GACAGGACACTTGAAGAATGAGGCCAGGTGGAGATTGAGGCCAGGTGGAGAATGAGGCAA-3'